The following is an entry in ClinVar:

ClinVar aggregate classification (germline): Uncertain significance. Review status: criteria provided, multiple submitters, no conflicts (2 of 4 stars). 3 submissions from 3 submitters: Uncertain significance (3). Last evaluated 2024-04-23.

Conditions:
Intellectual disability, CASK-related, X-linked. Identifiers: MedGen CN043158.

Submissions (3):

Women's Health and Genetics/Laboratory Corporation of America, LabCorp
Classification: Uncertain significance. Last evaluated: 2024-04-23. Review status: criteria provided, single submitter. Criteria: LabCorp Variant Classification Summary - May 2015. Collection method: clinical testing. Allele origin: germline.
Comment: Variant summary: CASK c.2038T>C (p.Trp680Arg) results in a non-conservative amino acid change in the encoded protein sequence. Two of three in-silico tools predict a damaging effect of the variant on protein function. Consensus agreement among computation tools predict no significant impact on normal splicing. However, these predictions have yet to be confirmed by functional studies. The variant was absent in 161901 control chromosomes. The available data on variant occurrences in the general population are insufficient to allow any conclusion about variant significance. To our knowledge, no occurrence of c.2038T>C in individuals affected with Syndromic X-Linked Intellectual Disability Najm Type and no experimental evidence demonstrating its impact on protein function have been reported. ClinVar contains an entry for this variant (Variation ID: 2662947). Based on the evidence outlined above, the variant was classified as uncertain significance.

Labcorp Genetics (formerly Invitae), Labcorp
Classification: Uncertain significance for Intellectual disability, CASK-related, X-linked. Last evaluated: 2023-12-25. Review status: criteria provided, single submitter. Criteria: Invitae Variant Classification Sherloc (09022015). Collection method: clinical testing. Allele origin: germline.
Comment: This sequence change replaces tryptophan, which is neutral and slightly polar, with arginine, which is basic and polar, at codon 680 of the CASK protein (p.Trp680Arg). This variant is not present in population databases (gnomAD no frequency). This variant has not been reported in the literature in individuals affected with CASK-related conditions. ClinVar contains an entry for this variant (Variation ID: 2662947). An algorithm developed to predict the effect of missense changes on protein structure and function (PolyPhen-2) suggests that this variant is likely to be tolerated. In summary, the available evidence is currently insufficient to determine the role of this variant in disease. Therefore, it has been classified as a Variant of Uncertain Significance.

GeneDx
Classification: Uncertain significance. Last evaluated: 2023-04-10. Review status: criteria provided, single submitter. Criteria: GeneDx Variant Classification Process June 2021. Collection method: clinical testing. Allele origin: germline. Affected: yes.
Comment: Not observed at significant frequency in large population cohorts (gnomAD); In silico analysis supports that this missense variant has a deleterious effect on protein structure/function; Has not been previously published as pathogenic or benign to our knowledge

NM_001367721.1(CASK):c.2038T>C (p.Trp680Arg)

Gene: CASK (calcium/calmodulin dependent serine protein kinase; minus strand). Cytogenetic location: Xp11.4.
Variant type: single nucleotide variant.
Coding change: c.2038T>C on transcript NM_001367721.1 (MANE Select); coding-DNA position 2038, T replaced by C.
Protein change: p.Trp680Arg; replaces tryptophan 680 with arginine.
Molecular consequence: missense variant.
Genome position (GRCh38, 1-based): chrX:41,553,720, A>G on the plus strand (T>C on the coding strand, the complement: CASK is on the minus strand). VCF-style: chrX-41553720-A-G. GRCh37 (hg19) VCF-style: chrX-41412973-A-G.
Other names: c.1969T>C, p.Trp657Arg (NM_001126054.3); c.1951T>C, p.Trp651Arg (NM_001126055.3); c.2020T>C, p.Trp674Arg (NM_001410745.1); c.2038T>C, p.Trp680Arg (NM_003688.4); short protein forms W651R, W657R, W674R, W680R.
Identifiers: ClinVar variation 2662947 (VCV002662947.5), dbSNP rs2519751320, ClinGen allele CA412992531.
Genomic context (GRCh38, chrX:41,553,720, plus strand): 5'-TGGATGGTCAGGGCTTTGTTTTTATAACCAAGCAAAGCAAAACACGCATAAAAACATACC[A>G]TTCCTGAAGTTCAGGAGAAGGAATGAGACCTGCAGTTCCATTTTTGGAGTTTTCCAGTTT-3'
Protein context (NP_001354650.1, residues 670-690): GLIPSPELQE[Trp680Arg]RVACIAMEKT